The following is an entry in ClinVar:

NM_000518.5:c.290_316delinsAGGGCAATAATTT

Gene: HBB (hemoglobin subunit beta; minus strand).
Variant type: Indel.
Other names: c.290_316delinsAGGGCAATAATTT (NM_000518.5).
Identifiers: ClinVar variation 4279099 (VCV004279099.1).

ClinVar aggregate classification (germline): Likely benign (0 of 4 stars; one submission).

Conditions:
Beta-thalassemia HBB/LCRB. Identifiers: MedGen CN322236, MONDO:0013517, OMIM 613985.

Submission:

Precision Medicine Lab Center, Yangjiang People's Hospital
Classification: Likely benign for Beta-thalassemia HBB/LCRB. Last evaluated: 2023-08-17. Review status: no assertion criteria provided. Collection method: clinical testing. Allele origin: germline. Affected: yes. Observed: 1 variant allele.
Comment: The HBB:c.316_290CdelinsAGGGCAATAATTT mutation involves the deletion of C at position 561 in the second intron of the β-globin gene, followed by the insertion of the sequence AGGGCAATAATTT. This variant has not been previously reported in available databases.